The following is an entry in ClinVar:

NM_002432.3(MNDA):c.1072A>C (p.Asn358His)

Gene: MNDA (myeloid cell nuclear differentiation antigen; plus strand). Cytogenetic location: 1q23.1.
Variant type: single nucleotide variant.
Coding change: c.1072A>C on transcript NM_002432.3 (MANE Select); coding-DNA position 1072, A replaced by C.
Protein change: p.Asn358His; replaces asparagine 358 with histidine.
Molecular consequence: missense variant.
Genome position (GRCh38, 1-based): chr1:158,847,812, A>C. VCF-style: chr1-158847812-A-C. GRCh37 (hg19) VCF-style: chr1-158817602-A-C.
Other names: short protein forms N358H.
Identifiers: ClinVar variation 3295446 (VCV003295446.1).

ClinVar aggregate classification (germline): Uncertain significance (1 of 4 stars; one submission).

Submission:

Ambry Genetics
Classification: Uncertain significance. Last evaluated: 2024-05-08. Review status: criteria provided, single submitter. Criteria: Ambry Variant Classification Scheme 2023. Collection method: clinical testing. Allele origin: germline.
Comment: The p.N358H variant (also known as c.1072A>C), located in coding exon 5 of the MNDA gene, results from an A to C substitution at nucleotide position 1072. The asparagine at codon 358 is replaced by histidine, an amino acid with similar properties. This amino acid position is conserved. In addition, this alteration is predicted to be tolerated by in silico analysis. Based on the available evidence, the clinical significance of this variant remains unclear.